The following is an entry in ClinVar:

ClinVar aggregate classification (germline): Likely benign (1 of 4 stars; one submission).

Conditions:
TTC21B-related disorder. Also called: TTC21B-related disorders; TTC21B-related condition.

Submission:

PreventionGenetics, part of Exact Sciences
Classification: Likely benign for TTC21B-related condition. Last evaluated: 2025-04-16. Review status: criteria provided, single submitter. Criteria: ACMG Guidelines, 2015. Collection method: clinical testing. Allele origin: germline.
Comment: This variant is classified as likely benign based on ACMG/AMP sequence variant interpretation guidelines (Richards et al. 2015 PMID: 25741868, with internal and published modifications).

NM_024753.5(TTC21B):c.2758-6C>G

Gene: TTC21B (tetratricopeptide repeat domain 21B; minus strand). Cytogenetic location: 2q24.3.
Variant type: single nucleotide variant.
Coding change: c.2758-6C>G on transcript NM_024753.5 (MANE Select); 6 bases into the intron before coding-DNA position 2758, C replaced by G.
Molecular consequence: intron variant.
Genome position (GRCh38, 1-based): chr2:165,899,886, G>C on the plus strand (C>G on the coding strand, the complement: TTC21B is on the minus strand). VCF-style: chr2-165899886-G-C. GRCh37 (hg19) VCF-style: chr2-166756396-G-C.
Identifiers: ClinVar variation 4990846 (VCV004990846.1).